The following is an entry in ClinVar:

ClinVar aggregate classification (germline): Uncertain significance. Review status: criteria provided, single submitter (1 of 4 stars). 2 submissions from 2 submitters: Uncertain significance (1). 1 of the submissions does not count toward it. Last evaluated 2022-07-11.

Conditions:
Achromatopsia. Also called: Rod monochromatism. Identifiers: Orphanet 49382, MedGen C0152200, MONDO:0018852, HP:0011516.

Allele frequency attached by ClinVar (database versions not stated): gnomAD exomes below 0.00001; gnomAD 0.00002.
gnomAD v4.1: 4 of 1,613,968 alleles (0.00025%); highest among the groups gnomAD compares: African/African-American, 0.004%; no homozygotes.

Submissions (2):

Labcorp Genetics (formerly Invitae), Labcorp
Classification: Uncertain significance. Last evaluated: 2022-07-11. Review status: criteria provided, single submitter. Criteria: Invitae Variant Classification Sherloc (09022015). Collection method: clinical testing. Allele origin: germline.
Comment: This sequence change replaces lysine, which is basic and polar, with glutamic acid, which is acidic and polar, at codon 191 of the CNGB3 protein (p.Lys191Glu). This variant is present in population databases (no rsID available, gnomAD 0.01%). This variant has not been reported in the literature in individuals affected with CNGB3-related conditions. ClinVar contains an entry for this variant (Variation ID: 1486794). Advanced modeling of protein sequence and biophysical properties (such as structural, functional, and spatial information, amino acid conservation, physicochemical variation, residue mobility, and thermodynamic stability) performed at Invitae indicates that this missense variant is not expected to disrupt CNGB3 protein function. Algorithms developed to predict the effect of sequence changes on RNA splicing suggest that this variant may create or strengthen a splice site. In summary, the available evidence is currently insufficient to determine the role of this variant in disease. Therefore, it has been classified as a Variant of Uncertain Significance.

Natera, Inc.
Classification: Uncertain significance for Achromatopsia. Last evaluated: 2025-03-27. Review status: no assertion criteria provided. Collection method: clinical testing. Allele origin: germline. Not counted in ClinVar's aggregate classification.

NM_019098.5(CNGB3):c.571A>G (p.Lys191Glu)

Gene: CNGB3 (cyclic nucleotide gated channel subunit beta 3; minus strand). Cytogenetic location: 8q21.3.
Variant type: single nucleotide variant.
Coding change: c.571A>G on transcript NM_019098.5 (MANE Select); coding-DNA position 571, A replaced by G.
Protein change: p.Lys191Glu; replaces lysine 191 with glutamic acid.
Molecular consequence: missense variant.
Genome position (GRCh38, 1-based): chr8:86,668,091, T>C on the plus strand (A>G on the coding strand, the complement: CNGB3 is on the minus strand). VCF-style: chr8-86668091-T-C. GRCh37 (hg19) VCF-style: chr8-87680319-T-C.
Other names: c.571A>G (NM_019098.4); short protein forms K191E.
Identifiers: ClinVar variation 1486794 (VCV001486794.6), dbSNP rs1018247769, ClinGen allele CA180364042.
Genomic context (GRCh38, chr8:86,668,091, plus strand): 5'-CTATGCTGTTTGGAAGTTTAATTCGCTTTAAGTACTCTGTTAAAGGCATCTTTTTGACTT[T>C]GAACCACAACAGCCTGTAGTAATGTTCTGTTGGCTTATCATCGCTTTCTTTTACTGGTGG-3'
Protein context (NP_061971.3, residues 181-201): TEHYYRLLWF[Lys191Glu]VKKMPLTEYL